The following is an entry in ClinVar:

NM_133259.4(LRPPRC):c.7G>T (p.Ala3Ser)

Gene: LRPPRC (leucine rich pentatricopeptide repeat containing; minus strand). Cytogenetic location: 2p21.
Variant type: single nucleotide variant.
Coding change: c.7G>T on transcript NM_133259.4 (MANE Select); coding-DNA position 7, G replaced by T.
Protein change: p.Ala3Ser; replaces alanine 3 with serine.
Molecular consequence: missense variant.
Genome position (GRCh38, 1-based): chr2:43,995,941, C>A on the plus strand (G>T on the coding strand, the complement: LRPPRC is on the minus strand). VCF-style: chr2-43995941-C-A. GRCh37 (hg19) VCF-style: chr2-44223080-C-A.
Other names: short protein forms A3S.
Identifiers: ClinVar variation 1698663 (VCV001698663.5), dbSNP rs200686732, ClinGen allele CA1639482.

ClinVar aggregate classification (germline): Conflicting classifications of pathogenicity. Review status: criteria provided, conflicting classifications (1 of 4 stars). 4 submissions from 4 submitters: Uncertain significance (3); Likely benign (1). Last evaluated 2022-08-22.

Conditions:
Congenital lactic acidosis, Saguenay-Lac-Saint-Jean type (MC4DN5). Also called: CYTOCHROME c OXIDASE DEFICIENCY, FRENCH CANADIAN TYPE; COX DEFICIENCY, FRENCH CANADIAN TYPE; MITOCHONDRIAL COMPLEX IV DEFICIENCY, NUCLEAR TYPE 5. Identifiers: Orphanet 70472, MedGen C1857355, MONDO:0009069, OMIM 220111.

Allele frequency attached by ClinVar (database versions not stated): 1000 Genomes Project 30x 0.00016.

Submissions (4):

Labcorp Genetics (formerly Invitae), Labcorp
Classification: Uncertain significance. Last evaluated: 2022-08-22. Review status: criteria provided, single submitter. Criteria: Invitae Variant Classification Sherloc (09022015). Collection method: clinical testing. Allele origin: germline.
Comment: This sequence change replaces alanine, which is neutral and non-polar, with serine, which is neutral and polar, at codon 3 of the LRPPRC protein (p.Ala3Ser). This variant is present in population databases (rs200686732, gnomAD 0.09%). This missense change has been observed in individual(s) with premature ovarian insufficiency (PMID: 32962729). Algorithms developed to predict the effect of missense changes on protein structure and function output the following: SIFT: "Tolerated"; PolyPhen-2: "Not Available"; Align-GVGD: "Class C0". The serine amino acid residue is found in multiple mammalian species, which suggests that this missense change does not adversely affect protein function. In summary, the available evidence is currently insufficient to determine the role of this variant in disease. Therefore, it has been classified as a Variant of Uncertain Significance.

Women's Health and Genetics/Laboratory Corporation of America, LabCorp
Classification: Likely benign. Last evaluated: 2022-06-29. Review status: criteria provided, single submitter. Criteria: LabCorp Variant Classification Summary - May 2015. Collection method: clinical testing. Allele origin: germline.
Comment: Variant summary: LRPPRC c.7G>T (p.Ala3Ser) results in a conservative amino acid change in the encoded protein sequence. Three of five in-silico tools predict a damaging effect of the variant on protein function. The variant allele was found at a frequency of 0.00014 in 151988 control chromosomes (gnomAD), predominantly at a frequency of 0.00083 within the African or African-American subpopulation in the gnomAD database. The observed variant frequency within African or African-American control individuals in the gnomAD database is approximately 2 fold of the estimated maximal expected allele frequency for a pathogenic variant in LRPPRC causing Leigh Syndrome, French-Canadian Type (0.0005), suggesting that the variant is a benign polymorphism found primarily in populations of African or African-American origin. c.7G>T has been found in an individual affected with premature ovarian insufficiency (Liu_2020). To our knowledge, no individuals affected with Leigh Syndrome, French-Canadian Type harboring the variant and no experimental evidence demonstrating an impact on protein function has been reported. No clinical diagnostic laboratories have submitted clinical-significance assessments for this variant to ClinVar after 2014. Based on the evidence outlined above, the variant was classified as likely benign.

Blueprint Genetics
Classification: Uncertain significance. Last evaluated: 2022-04-05. Review status: criteria provided, single submitter. Criteria: ACMG Guidelines, 2015. Collection method: clinical testing. Allele origin: germline.

CENTOGENE GmbH and LLC - Guiding Precision Medicine
Classification: Uncertain significance for Congenital lactic acidosis, Saguenay-Lac-Saint-Jean type. Last evaluated: 2017-01-13. Review status: criteria provided, single submitter. Criteria: ACMG Guidelines, 2015. Collection method: clinical testing. Allele origin: maternal. Affected: yes.

Literature cited by the submitters: PubMed 32962729 (cited by Labcorp Genetics (formerly Invitae), Labcorp and Women's Health and Genetics/Laboratory Corporation of America, LabCorp).